The following is an entry in ClinVar:

NM_198525.3(KIF7):c.3595C>T (p.Arg1199Cys)

Genes: KIF7 (kinesin family member 7; minus strand), LOC126862216 (BRD4-independent group 4 enhancer GRCh37_chr15:90171995-90173194; plus strand). Cytogenetic location: 15q26.1.
Variant type: single nucleotide variant.
Coding change: c.3595C>T on transcript NM_198525.3 (MANE Select); coding-DNA position 3595, C replaced by T.
Protein change: p.Arg1199Cys; replaces arginine 1199 with cysteine.
Molecular consequence: missense variant.
Genome position (GRCh38, 1-based): chr15:89,629,045, G>A on the plus strand (C>T on the coding strand, the complement: KIF7 is on the minus strand). VCF-style: chr15-89629045-G-A. GRCh37 (hg19) VCF-style: chr15-90172276-G-A.
Other names: c.3595C>T (NM_198525.2); short protein forms R1199C.
Identifiers: ClinVar variation 1380657 (VCV001380657.8), dbSNP rs748917501, ClinGen allele CA7727623.

ClinVar aggregate classification (germline): Uncertain significance. Review status: criteria provided, multiple submitters, no conflicts (2 of 4 stars). 3 submissions from 3 submitters: Uncertain significance (3). Last evaluated 2024-06-26.

Conditions:
Acrocallosal syndrome (ACLS). Also called: Schinzel syndrome 1; Absence of corpus callosum with unusual facial appearance, mental deficiency, duplication of the halluces and polydactyly; HALLUX DUPLICATION, POSTAXIAL POLYDACTYLY, AND ABSENCE OF CORPUS CALLOSUM. Identifiers: Orphanet 36, MedGen C0796147, MONDO:0008708, OMIM 200990.

Allele frequency attached by ClinVar (database versions not stated): TOPMed 0.00002; gnomAD 0.00005.
gnomAD v4.1: 25 of 1,613,374 alleles (0.0015%); highest among the groups gnomAD compares: African/African-American, 0.013%; no homozygotes.

Submissions (3):

GeneDx
Classification: Uncertain significance. Last evaluated: 2024-06-26. Review status: criteria provided, single submitter. Criteria: GeneDx Variant Classification Process June 2021. Collection method: clinical testing. Allele origin: germline. Affected: yes.
Comment: In silico analysis supports that this missense variant has a deleterious effect on protein structure/function; Has not been previously published as pathogenic or benign to our knowledge

Revvity Omics, Revvity
Classification: Uncertain significance. Last evaluated: 2022-11-07. Review status: criteria provided, single submitter. Criteria: ACMG Guidelines, 2015. Collection method: clinical testing. Allele origin: germline.

Labcorp Genetics (formerly Invitae), Labcorp
Classification: Uncertain significance for Acrocallosal syndrome. Last evaluated: 2022-08-23. Review status: criteria provided, single submitter. Criteria: Invitae Variant Classification Sherloc (09022015). Collection method: clinical testing. Allele origin: germline.
Comment: This sequence change replaces arginine, which is basic and polar, with cysteine, which is neutral and slightly polar, at codon 1199 of the KIF7 protein (p.Arg1199Cys). This variant is present in population databases (rs748917501, gnomAD 0.02%). This variant has not been reported in the literature in individuals affected with KIF7-related conditions. ClinVar contains an entry for this variant (Variation ID: 1380657). Algorithms developed to predict the effect of missense changes on protein structure and function are either unavailable or do not agree on the potential impact of this missense change (SIFT: "Deleterious"; PolyPhen-2: "Possibly Damaging"; Align-GVGD: "Class C0"). In summary, the available evidence is currently insufficient to determine the role of this variant in disease. Therefore, it has been classified as a Variant of Uncertain Significance.